The following is an entry in ClinVar:

NM_001142966.3(GREB1L):c.157G>A (p.Asp53Asn)

Genes: GREB1L (GREB1 like retinoic acid receptor coactivator; plus strand), GREB1L-AS1 (GREB1L antisense RNA 1; minus strand). Cytogenetic location: 18q11.1.
Variant type: single nucleotide variant.
Coding change: c.157G>A on transcript NM_001142966.3 (MANE Select); coding-DNA position 157, G replaced by A.
Protein change: p.Asp53Asn; replaces aspartic acid 53 with asparagine.
Molecular consequence: missense variant.
Genome position (GRCh38, 1-based): chr18:21,383,675, G>A. VCF-style: chr18-21383675-G-A. GRCh37 (hg19) VCF-style: chr18-18963636-G-A.
Other names: c.157G>A, p.Asp53Asn (NM_001410867.1, NM_001410868.1); short protein forms D53N.
Identifiers: ClinVar variation 2743286 (VCV002743286.3), dbSNP rs2510789361, ClinGen allele CA401794199.

ClinVar aggregate classification (germline): Uncertain significance (1 of 4 stars; one submission).

Allele frequency attached by ClinVar (database versions not stated): gnomAD exomes below 0.00001.
gnomAD v4.1: 1 of 1,548,416 alleles (0.000065%); highest among the groups gnomAD compares: Non-Finnish European, 0.000087%; no homozygotes.

Submission:

Labcorp Genetics (formerly Invitae), Labcorp
Classification: Uncertain significance. Last evaluated: 2023-07-14. Review status: criteria provided, single submitter. Criteria: Invitae Variant Classification Sherloc (09022015). Collection method: clinical testing. Allele origin: germline.
Comment: In summary, the available evidence is currently insufficient to determine the role of this variant in disease. Therefore, it has been classified as a Variant of Uncertain Significance. Variants that disrupt the consensus splice site are a relatively common cause of aberrant splicing (PMID: 17576681, 9536098). An algorithm developed to predict the effect of missense changes on protein structure and function (PolyPhen-2) suggests that this variant is likely to be tolerated. This variant has not been reported in the literature in individuals affected with GREB1L-related conditions. This variant is not present in population databases (gnomAD no frequency). This sequence change replaces aspartic acid, which is acidic and polar, with asparagine, which is neutral and polar, at codon 53 of the GREB1L protein (p.Asp53Asn). This variant also falls at the last nucleotide of exon 3, which is part of the consensus splice site for this exon.

Literature cited by the submitters: PubMed 17576681; PubMed 9536098.